The following is an entry in ClinVar:

ClinVar aggregate classification (germline): Conflicting classifications of pathogenicity. Review status: criteria provided, conflicting classifications (1 of 4 stars). 4 submissions from 4 submitters: Uncertain significance (3); Likely benign (1). Last evaluated 2026-06-26.

Conditions:
Myofibrillar myopathy 5. Also called: FILAMINOPATHY, AUTOSOMAL DOMINANT; Filaminopathy (type). Identifiers: Orphanet 171445, MedGen C1836050, MONDO:0012289, OMIM 609524.
Distal myopathy with posterior leg and anterior hand involvement. Also called: WILLIAMS DISTAL MYOPATHY. Identifiers: Orphanet 63273, MedGen C3279722, MONDO:0013550, OMIM 614065.
Hypertrophic cardiomyopathy 26. Also called: Cardiomyopathy, familial hypertrophic, 26. Identifiers: Orphanet 75249, MedGen C4310749, MONDO:0014883, OMIM 617047.
Cardiovascular phenotype. Identifiers: MedGen CN230736.

Allele frequency attached by ClinVar (database versions not stated): gnomAD exomes below 0.00001; TOPMed 0.00002; gnomAD 0.00001; ExAC 0.00002; ESP Exome Variant Server 0.00008.

Submissions (4):

Women's Health and Genetics/Laboratory Corporation of America, LabCorp
Classification: Uncertain significance. Last evaluated: 2026-06-26. Review status: criteria provided, single submitter. Criteria: LabCorp Variant Classification Summary - May 2015. Collection method: clinical testing. Allele origin: germline.

Labcorp Genetics (formerly Invitae), Labcorp
Classification: Likely benign for Distal myopathy with posterior leg and anterior hand involvement; Myofibrillar myopathy 5; Hypertrophic cardiomyopathy 26. Last evaluated: 2025-09-16. Review status: criteria provided, single submitter. Criteria: Invitae Variant Classification Sherloc (09022015). Collection method: clinical testing. Allele origin: germline.

Ambry Genetics
Classification: Uncertain significance for Cardiovascular phenotype. Last evaluated: 2025-09-12. Review status: criteria provided, single submitter. Criteria: Ambry Variant Classification Scheme 2023. Collection method: clinical testing. Allele origin: germline.
Comment: The p.E2208K variant (also known as c.6622G>A), located in coding exon 40 of the FLNC gene, results from a G to A substitution at nucleotide position 6622. The glutamic acid at codon 2208 is replaced by lysine, an amino acid with similar properties. This amino acid position is conserved. In addition, the in silico prediction for this alteration is inconclusive. Since supporting evidence is limited at this time, the clinical significance of this alteration remains unclear.

GeneDx
Classification: Uncertain significance. Last evaluated: 2024-07-07. Review status: criteria provided, single submitter. Criteria: GeneDx Variant Classification Process June 2021. Collection method: clinical testing. Allele origin: germline. Affected: yes.
Comment: Not observed at significant frequency in large population cohorts (gnomAD); In silico analysis indicates that this missense variant does not alter protein structure/function; Has not been previously published as pathogenic or benign to our knowledge

NM_001458.5(FLNC):c.6622G>A (p.Glu2208Lys)

Genes: FLNC (filamin C; plus strand), FLNC-AS1 (FLNC antisense RNA 1; minus strand). Cytogenetic location: 7q32.1.
Variant type: single nucleotide variant.
Coding change: c.6622G>A on transcript NM_001458.5 (MANE Select); coding-DNA position 6622, G replaced by A.
Protein change: p.Glu2208Lys; replaces glutamic acid 2208 with lysine.
Molecular consequence: missense variant.
Genome position (GRCh38, 1-based): chr7:128,854,111, G>A. VCF-style: chr7-128854111-G-A. GRCh37 (hg19) VCF-style: chr7-128494165-G-A.
Other names: c.6523G>A, p.Glu2175Lys (NM_001127487.2); short protein forms E2175K, E2208K.
Identifiers: ClinVar variation 1754530 (VCV001754530.8), dbSNP rs376397821, ClinGen allele CA4476035.